The following is an entry in ClinVar:

NM_004115.4(FGF14):c.233G>A (p.Arg78Lys)

Gene: FGF14 (fibroblast growth factor 14; minus strand). Cytogenetic location: 13q33.1.
Variant type: single nucleotide variant.
Coding change: c.233G>A on transcript NM_004115.4 (MANE Select); coding-DNA position 233, G replaced by A.
Protein change: p.Arg78Lys; replaces arginine 78 with lysine.
Molecular consequence: missense variant. On other transcripts: intron variant (1), 5 prime UTR variant (7).
Genome position (GRCh38, 1-based): chr13:101,875,257, C>T on the plus strand (G>A on the coding strand, the complement: FGF14 is on the minus strand). VCF-style: chr13-101875257-C-T. GRCh37 (hg19) VCF-style: chr13-102527607-C-T.
Other names: c.209-6429G>A (NM_001321939.2); c.-20G>A (NM_001321931.1, NM_001321934.1, NM_001321935.1 and 4 more transcripts); c.44G>A, p.Arg15Lys (NM_001321932.1, NM_001321936.1, NM_001321944.1); c.53G>A, p.Arg18Lys (NM_001321933.1, NM_001321938.2, NM_001321940.1); c.248G>A, p.Arg83Lys (NM_001321937.2, NM_175929.3); c.47G>A, p.Arg16Lys (NM_001321941.2); c.131G>A, p.Arg44Lys (NM_001321945.2, NM_001321948.2, NM_001379342.1); c.92G>A, p.Arg31Lys (NM_001321947.2); short protein forms R31K, R78K, R18K, R44K, R83K, R15K, R16K.
Identifiers: ClinVar variation 2900725 (VCV002900725.3), dbSNP rs775032992, ClinGen allele CA7037218.

ClinVar aggregate classification (germline): Uncertain significance (1 of 4 stars; one submission).

Allele frequency attached by ClinVar (database versions not stated): gnomAD exomes below 0.00001; ExAC 0.00001; TOPMed 0.00001.
gnomAD v4.1: 2 of 1,613,300 alleles (0.00012%); highest among the groups gnomAD compares: East Asian, 0.0022%; no homozygotes.

Submission:

Labcorp Genetics (formerly Invitae), Labcorp
Classification: Uncertain significance. Last evaluated: 2023-05-16. Review status: criteria provided, single submitter. Criteria: Invitae Variant Classification Sherloc (09022015). Collection method: clinical testing. Allele origin: germline.
Comment: This sequence change replaces arginine, which is basic and polar, with lysine, which is basic and polar, at codon 78 of the FGF14 protein (p.Arg78Lys). This variant is present in population databases (rs775032992, gnomAD 0.0009%). In summary, the available evidence is currently insufficient to determine the role of this variant in disease. Therefore, it has been classified as a Variant of Uncertain Significance. Advanced modeling of protein sequence and biophysical properties (such as structural, functional, and spatial information, amino acid conservation, physicochemical variation, residue mobility, and thermodynamic stability) performed at Invitae indicates that this missense variant is not expected to disrupt FGF14 protein function. This variant has not been reported in the literature in individuals affected with FGF14-related conditions.